The following is an entry in ClinVar:

ClinVar aggregate classification (germline): Likely pathogenic (1 of 4 stars; one submission).

Conditions:
Intellectual developmental disorder, autosomal dominant 6, with or without seizures. Also called: GRIN2B-related developmental delay, intellectual disability and autism spectrum disorder; Intellectual disability, autosomal dominant 6. Identifiers: Orphanet 589547, MedGen C3151411, MONDO:0013509, OMIM 613970.

Allele frequency attached by ClinVar (database versions not stated): gnomAD exomes below 0.00001.
gnomAD v4.1: 1 of 1,612,492 alleles (0.000062%); highest among the groups gnomAD compares: Non-Finnish European, 0.000085%; no homozygotes.

Submission:

Quantitative Genomic Medicine Laboratories, SL
Classification: Likely pathogenic for Intellectual developmental disorder, autosomal dominant 6, with or without seizures. Last evaluated: 2022-10-14. Review status: criteria provided, single submitter. Criteria: ACMG Guidelines, 2015. Collection method: clinical testing. Allele origin: de novo. Inheritance: Autosomal dominant inheritance. Affected: yes. Observed: 1 heterozygote.
Comment: PS2 PM1 PM2 pathogenicity criteria were met by the variant by date last evaluated in our laboratory. Functional experiments have shown that this variant resides in the linker between the S1 agonist binding domain and the first transmembrane domain (M1) of the GluN2B subunit of the NMDA receptor and preliminary experiments show it abolishes pore activity in in-vitro assays (in press).

Literature cited by the submitters: PubMed 28377535.

NM_000834.5(GRIN2B):c.1646C>T (p.Ala549Val)

Gene: GRIN2B (glutamate ionotropic receptor NMDA type subunit 2B; minus strand). Cytogenetic location: 12p13.1.
Variant type: single nucleotide variant.
Coding change: c.1646C>T on transcript NM_000834.5 (MANE Select); coding-DNA position 1646, C replaced by T.
Protein change: p.Ala549Val; replaces alanine 549 with valine.
Molecular consequence: missense variant.
Genome position (GRCh38, 1-based): chr12:13,615,122, G>A on the plus strand (C>T on the coding strand, the complement: GRIN2B is on the minus strand). VCF-style: chr12-13615122-G-A. GRCh37 (hg19) VCF-style: chr12-13768056-G-A.
Other names: short protein forms A549V.
Identifiers: ClinVar variation 1723180 (VCV001723180.2), dbSNP rs2497597834, ClinGen allele CA384051684.
Genomic context (GRCh38, chr12:13,615,122, plus strand): 5'-CACTTCCCCATCCATACGTCCATTTCCTTCCACCAGCAAACCCATCATTTACCTAAGAAG[G>A]CAGAAGGTGAGACAGTCCCATTGCTGCGTGACACCATGACACTGATGCCTGTCTCTATGA-3'
Protein context (NP_000825.2, residues 539-559): SRSNGTVSPS[Ala549Val]FLEPFSADVW